The following is an entry in ClinVar:

ClinVar aggregate classification (germline): Likely benign. Review status: criteria provided, multiple submitters, no conflicts (2 of 4 stars). 2 submissions from 2 submitters: Likely benign (2). Last evaluated 2023-04-01.

Allele frequency attached by ClinVar (database versions not stated): gnomAD exomes 0.00014; 1000 Genomes Project 0.00020; gnomAD 0.00022; ExAC 0.00026; 1000 Genomes Project 30x 0.00031; ESP Exome Variant Server 0.00031; TOPMed 0.00032.
gnomAD v4.1: 245 of 1,614,128 alleles (0.015%); highest among the groups gnomAD compares: Admixed American, 0.058%; no homozygotes.

Submissions (2):

CeGaT Center for Human Genetics Tuebingen
Classification: Likely benign. Last evaluated: 2023-04-01. Review status: criteria provided, single submitter. Criteria: CeGaT Center For Human Genetics Tuebingen Variant Classification Criteria Version 2. Collection method: clinical testing. Allele origin: germline. Affected: yes. Observed: 3 variant alleles.
Comment: H6PD: BP4, BP7

Labcorp Genetics (formerly Invitae), Labcorp
Classification: Likely benign. Last evaluated: 2022-10-17. Review status: criteria provided, single submitter. Criteria: Invitae Variant Classification Sherloc (09022015). Collection method: clinical testing. Allele origin: germline.

NM_004285.4(H6PD):c.1167G>A (p.Ala389=)

Gene: H6PD (hexose-6-phosphate dehydrogenase/glucose 1-dehydrogenase; plus strand). Cytogenetic location: 1p36.22.
Variant type: single nucleotide variant.
Coding change: c.1167G>A on transcript NM_004285.4 (MANE Select); coding-DNA position 1167, G replaced by A.
Protein change: p.Ala389=; no amino-acid change (alanine 389 retained).
Molecular consequence: synonymous variant.
Genome position (GRCh38, 1-based): chr1:9,263,660, G>A. VCF-style: chr1-9263660-G-A. GRCh37 (hg19) VCF-style: chr1-9323719-G-A.
Other names: c.1200G>A, p.Ala400= (NM_001282587.2).
Identifiers: ClinVar variation 2062333 (VCV002062333.28), dbSNP rs199663762, ClinGen allele CA575224.